The following is an entry in ClinVar:

NM_004360.5(CDH1):c.898A>G (p.Ile300Val)

Gene: CDH1 (cadherin 1; plus strand). Cytogenetic location: 16q22.1.
Variant type: single nucleotide variant.
Coding change: c.898A>G on transcript NM_004360.5 (MANE Select); coding-DNA position 898, A replaced by G.
Protein change: p.Ile300Val; replaces isoleucine 300 with valine.
Molecular consequence: missense variant. On other transcripts: 5 prime UTR variant (2).
Genome position (GRCh38, 1-based): chr16:68,811,749, A>G. VCF-style: chr16-68811749-A-G. GRCh37 (hg19) VCF-style: chr16-68845652-A-G.
Other names: c.898A>G, p.Ile300Val (NM_001317184.2); c.-718A>G (NM_001317185.2); c.-922A>G (NM_001317186.2); short protein forms I300V.
Identifiers: ClinVar variation 4734392 (VCV004734392.1).
Genomic context (GRCh38, chr16:68,811,749, plus strand): 5'-TCTGTGATGGAGGTCACAGCCACAGACGCGGACGATGATGTGAACACCTACAATGCCGCC[A>G]TCGCTTACACCATCCTCAGCCAAGATCCTGAGCTCCCTGACAAAAATATGTTCACCATTA-3'
Protein context (NP_004351.1, residues 290-310): DDDVNTYNAA[Ile300Val]AYTILSQDPE

ClinVar aggregate classification (germline): Uncertain significance. Review status: criteria provided, multiple submitters, no conflicts (2 of 4 stars). 2 submissions from 2 submitters: Uncertain significance (2). Last evaluated 2025-12-30.

Conditions:
Hereditary cancer-predisposing syndrome. Also called: Hereditary Cancer Syndrome; Hereditary neoplastic syndrome; Neoplastic Syndromes, Hereditary; Tumor predisposition. Identifiers: Orphanet 140162, MedGen C0027672, MeSH D009386, MONDO:0015356.
Hereditary diffuse gastric adenocarcinoma (HDGC). Also called: DIFFUSE GASTRIC AND LOBULAR BREAST CANCER SYNDROME. Identifiers: Orphanet 26106, MedGen C1708349, MONDO:0007648, OMIM 137215.

gnomAD v4.1: 2 of 1,614,152 alleles (0.00012%); highest among the groups gnomAD compares: Non-Finnish European, 0.00017%; no homozygotes.

Submissions (2):

Labcorp Genetics (formerly Invitae), Labcorp
Classification: Uncertain significance for Hereditary diffuse gastric adenocarcinoma. Last evaluated: 2025-12-30. Review status: criteria provided, single submitter. Criteria: Invitae Variant Classification Sherloc (09022015). Collection method: clinical testing. Allele origin: germline.
Comment: This sequence change replaces isoleucine, which is neutral and non-polar, with valine, which is neutral and non-polar, at codon 300 of the CDH1 protein (p.Ile300Val). This variant is present in population databases (no rsID available, gnomAD 0.0009%). This variant has not been reported in the literature in individuals affected with CDH1-related conditions. An algorithm developed to predict the effect of missense changes on protein structure and function (PolyPhen-2) suggests that this variant is likely to be tolerated. In summary, the available evidence is currently insufficient to determine the role of this variant in disease. Therefore, it has been classified as a Variant of Uncertain Significance.

Color Diagnostics, LLC DBA Color Health
Classification: Uncertain significance for Hereditary cancer-predisposing syndrome. Last evaluated: 2025-07-17. Review status: criteria provided, single submitter. Criteria: ACMG Guidelines, 2015. Collection method: clinical testing. Allele origin: germline.
Comment: This missense variant replaces isoleucine with valine at codon 300 of the CDH1 protein. To our knowledge, functional studies have not been reported for this variant. This variant has not been reported in individuals affected with CDH1-related disorders in the literature. This variant has been identified in 1/251472 chromosomes in the general population by the Genome Aggregation Database (gnomAD). The available evidence is insufficient to determine the role of this variant in disease conclusively. Therefore, this variant is classified as a Variant of Uncertain Significance.